The following is an entry in ClinVar:

NM_001267550.2(TTN):c.94747_94748del (p.Arg31583fs)

Genes: TTN-AS1 (TTN antisense RNA 1; plus strand), TTN (titin; minus strand). Cytogenetic location: 2q31.2.
Variant type: Deletion.
Coding change: c.94747_94748del on transcript NM_001267550.2 (MANE Select); coding-DNA positions 94747 to 94748, 2 bases deleted (CG; older notation c.94747_94748delCG).
Protein change: p.Arg31583fs; shifts the reading frame from arginine 31583.
Molecular consequence: frameshift variant.
Genome position (GRCh38, 1-based): chr2:178,546,680-178,546,681, CG deleted on the plus strand (CG on the coding strand, the reverse complement: TTN is on the minus strand). VCF-style (leftmost placement, unchanged base first): chr2-178546679-ACG-A. GRCh37 (hg19) VCF-style: chr2-179411406-ACG-A.
Other names: c.89824_89825del, p.Arg29942fs (NM_001256850.1); c.67552_67553del, p.Arg22518fs (NM_003319.4); c.87043_87044del, p.Arg29015fs (NM_133378.4); c.67927_67928del, p.Arg22643fs (NM_133432.3); c.68128_68129del, p.Arg22710fs (NM_133437.4); short protein forms R22518fs, R22643fs, R29942fs, R31583fs, R22710fs, R29015fs.
Identifiers: ClinVar variation 934743 (VCV000934743.10), dbSNP rs1697311515, ClinGen allele CA1139657417.

ClinVar aggregate classification (germline): Likely pathogenic (1 of 4 stars; one submission).

Conditions:
Dilated cardiomyopathy 1G (CMD1G). Identifiers: Orphanet 154, MedGen C1858763, MONDO:0011400, OMIM 604145.
Autosomal recessive limb-girdle muscular dystrophy type 2J (LGMDR10). Also called: Limb-girdle muscular dystrophy, type 2J; MUSCULAR DYSTROPHY, LIMB-GIRDLE, AUTOSOMAL RECESSIVE 10. Identifiers: Orphanet 140922, MedGen C1837342, MONDO:0012127, OMIM 608807.

Submission:

Labcorp Genetics (formerly Invitae), Labcorp
Classification: Likely pathogenic for Dilated cardiomyopathy 1G; Autosomal recessive limb-girdle muscular dystrophy type 2J. Last evaluated: 2019-05-30. Review status: criteria provided, single submitter. Criteria: Invitae Variant Classification Sherloc (09022015). Collection method: clinical testing. Allele origin: germline.
Comment: In summary, the currently available evidence indicates that the variant is pathogenic, but additional data are needed to prove that conclusively. Therefore, this variant has been classified as Likely Pathogenic. This variant is located in the A band of TTN (PMID: 25589632). Truncating variants in this region are significantly overrepresented in patients affected with dilated cardiomyopathy (PMID: 25589632). Truncating variants in this region have also been reported in individuals affected with autosomal recessive centronuclear myopathy (PMID: 23975875). This variant has not been reported in the literature in individuals with TTN-related conditions. This variant is not present in population databases (ExAC no frequency). This sequence change results in a premature translational stop signal in the TTN gene (p.Arg31583Cysfs*11). While this is not anticipated to result in nonsense mediated decay, it is expected to create a truncated TTN protein.

Literature cited by the submitters: PubMed 25589632; PubMed 23975875.